The following is an entry in ClinVar:

NM_002834.5(PTPN11):c.1232C>A (p.Thr411Lys)

Gene: PTPN11 (protein tyrosine phosphatase non-receptor type 11; plus strand). Cytogenetic location: 12q24.13.
Variant type: single nucleotide variant.
Coding change: c.1232C>A on transcript NM_002834.5 (MANE Select); coding-DNA position 1232, C replaced by A.
Protein change: p.Thr411Lys; replaces threonine 411 with lysine.
Molecular consequence: missense variant.
Genome position (GRCh38, 1-based): chr12:112,486,482, C>A. VCF-style: chr12-112486482-C-A. GRCh37 (hg19) VCF-style: chr12-112924286-C-A.
Other names: c.1244C>A, p.Thr415Lys (NM_001330437.2); c.1229C>A, p.Thr410Lys (NM_001374625.1); c.1232C>A, p.Thr411Lys (NM_080601.3); short protein forms T410K, T415K, T411K.
Identifiers: ClinVar variation 3637665 (VCV003637665.2).

ClinVar aggregate classification (germline): Uncertain significance (1 of 4 stars; one submission).

Conditions:
RASopathy. Also called: Noonan spectrum disorder; rasopathies. Identifiers: Orphanet 536391, MedGen C5555857, MONDO:0021060.

gnomAD v4.1: 2 of 1,613,772 alleles (0.00012%); highest among the groups gnomAD compares: South Asian, 0.0022%; no homozygotes.

Submission:

Labcorp Genetics (formerly Invitae), Labcorp
Classification: Uncertain significance for RASopathy. Last evaluated: 2024-07-30. Review status: criteria provided, single submitter. Criteria: Invitae Variant Classification Sherloc (09022015). Collection method: clinical testing. Allele origin: germline.
Comment: This sequence change replaces threonine, which is neutral and polar, with lysine, which is basic and polar, at codon 411 of the PTPN11 protein (p.Thr411Lys). This variant is present in population databases (rs121918467, gnomAD 0.006%). This variant has not been reported in the literature in individuals affected with PTPN11-related conditions. Advanced modeling of protein sequence and biophysical properties (such as structural, functional, and spatial information, amino acid conservation, physicochemical variation, residue mobility, and thermodynamic stability) has been performed at Invitae for this missense variant, however the output from this modeling did not meet the statistical confidence thresholds required to predict the impact of this variant on PTPN11 protein function. In summary, the available evidence is currently insufficient to determine the role of this variant in disease. Therefore, it has been classified as a Variant of Uncertain Significance.